The following is an entry in ClinVar:

NM_206933.4(USH2A):c.7831del (p.Ser2611fs)

Gene: USH2A (usherin; minus strand). Cytogenetic location: 1q41.
Variant type: Deletion.
Coding change: c.7831del on transcript NM_206933.4 (MANE Select); coding-DNA position 7831, one base deleted (T; older notation c.7831delT).
Protein change: p.Ser2611fs; shifts the reading frame from serine 2611.
Molecular consequence: frameshift variant.
Genome position (GRCh38, 1-based): chr1:215,888,818, A deleted on the plus strand (T on the coding strand, the reverse complement: USH2A is on the minus strand); the first of 3 consecutive A bases (chr1:215,888,818-215,888,820); deleting any one gives the same sequence. VCF-style (leftmost placement, unchanged base first): chr1-215888817-GA-G. GRCh37 (hg19) VCF-style: chr1-216062159-GA-G.
Other names: short protein forms S2611fs.
Identifiers: ClinVar variation 971508 (VCV000971508.7), dbSNP rs1665136420, ClinGen allele CA1139656556.

ClinVar aggregate classification (germline): Pathogenic (1 of 4 stars; one submission).

Submission:

Labcorp Genetics (formerly Invitae), Labcorp
Classification: Pathogenic. Last evaluated: 2019-10-22. Review status: criteria provided, single submitter. Criteria: Invitae Variant Classification Sherloc (09022015). Collection method: clinical testing. Allele origin: germline.
Comment: For these reasons, this variant has been classified as Pathogenic. Loss-of-function variants in USH2A are known to be pathogenic (PMID: 10729113, 10909849, 20507924, 25649381). This variant has not been reported in the literature in individuals with USH2A-related conditions. This variant is not present in population databases (ExAC no frequency). This sequence change creates a premature translational stop signal (p.Ser2611Hisfs*30) in the USH2A gene. It is expected to result in an absent or disrupted protein product.

Literature cited by the submitters: PubMed 10729113; PubMed 10909849; PubMed 20507924; PubMed 25649381.